The following is an entry in ClinVar:

NM_000218.3(KCNQ1):c.989C>A (p.Ser330Tyr)

Gene: KCNQ1 (potassium voltage-gated channel subfamily Q member 1; plus strand). Cytogenetic location: 11p15.5.
Variant type: single nucleotide variant.
Coding change: c.989C>A on transcript NM_000218.3 (MANE Select); coding-DNA position 989, C replaced by A.
Protein change: p.Ser330Tyr; replaces serine 330 with tyrosine.
Molecular consequence: missense variant.
Genome position (GRCh38, 1-based): chr11:2,583,502, C>A. VCF-style: chr11-2583502-C-A. GRCh37 (hg19) VCF-style: chr11-2604732-C-A.
Other names: c.989C>A, p.Ser330Tyr (NM_001406836.1); c.719C>A, p.Ser240Tyr (NM_001406837.1); c.545C>A, p.Ser182Tyr (NM_001406838.1); c.608C>A, p.Ser203Tyr (NM_181798.2); short protein forms S182Y, S330Y, S203Y, S240Y.
Identifiers: ClinVar variation 1768517 (VCV001768517.2), dbSNP rs2493696128, ClinGen allele CA379133057.
Genomic context (GRCh38, chr11:2,583,502, plus strand): 5'-TCACCACCATCGGCTATGGGGACAAGGTGCCCCAGACGTGGGTCGGGAAGACCATCGCCT[C>A]CTGCTTCTCTGTCTTTGCCATCTCCTTCTTTGCGCTCCCAGCGGTAGGTGCCCCGTGGGT-3'
Protein context (NP_000209.2, residues 320-340): PQTWVGKTIA[Ser330Tyr]CFSVFAISFF

ClinVar aggregate classification (germline): Uncertain significance (1 of 4 stars; one submission).

Conditions:
Cardiovascular phenotype. Identifiers: MedGen CN230736.

Submission:

Ambry Genetics
Classification: Uncertain significance for Cardiovascular phenotype. Last evaluated: 2019-04-08. Review status: criteria provided, single submitter. Criteria: Ambry Variant Classification Scheme 2023. Collection method: clinical testing. Allele origin: germline.
Comment: The p.S330Y variant (also known as c.989C>A), located in coding exon 7 of the KCNQ1 gene, results from a C to A substitution at nucleotide position 989. The serine at codon 330 is replaced by tyrosine, an amino acid with dissimilar properties, and is located in the S6 transmembrane region. This amino acid position is highly conserved in available vertebrate species. In addition, this alteration is predicted to be deleterious by in silico analysis. Since supporting evidence is limited at this time, the clinical significance of this alteration remains unclear.